The following is an entry in ClinVar:

NM_001023.4(RPS20):c.17C>T (p.Thr6Ile)

Gene: RPS20 (ribosomal protein S20; minus strand). Cytogenetic location: 8q12.1.
Variant type: single nucleotide variant.
Coding change: c.17C>T on transcript NM_001023.4 (MANE Select); coding-DNA position 17, C replaced by T.
Protein change: p.Thr6Ile; replaces threonine 6 with isoleucine.
Molecular consequence: missense variant.
Genome position (GRCh38, 1-based): chr8:56,074,146, G>A on the plus strand (C>T on the coding strand, the complement: RPS20 is on the minus strand). VCF-style: chr8-56074146-G-A. GRCh37 (hg19) VCF-style: chr8-56986705-G-A.
Other names: c.17C>T, p.Thr6Ile (NM_001146227.3); short protein forms T6I.
Identifiers: ClinVar variation 3315287 (VCV003315287.1).
Genomic context (GRCh38, chr8:56,074,146, plus strand): 5'-CTTGTTAGGGTGATTCGAATTCGGTGAATTGCCACCTCCGGCTCCACGGGTGTTTTTCCG[G>A]TATCCTTAAAAGCCTATTATTAGATACATGAAAAAGAACAATAAGCCAAAAATGGTCTGC-3'
Protein context (NP_001014.1, residues 1-16): MAFKD[Thr6Ile]GKTPVEPEVA

ClinVar aggregate classification (germline): Uncertain significance (1 of 4 stars; one submission).

gnomAD v4.1: 5 of 1,612,196 alleles (0.00031%); highest among the groups gnomAD compares: East Asian, 0.0022%; no homozygotes.

Submission:

Ambry Genetics
Classification: Uncertain significance. Last evaluated: 2024-05-16. Review status: criteria provided, single submitter. Criteria: Ambry Variant Classification Scheme 2023. Collection method: clinical testing. Allele origin: germline.
Comment: The p.T6I variant (also known as c.17C>T), located in coding exon 2 of the RPS20 gene, results from a C to T substitution at nucleotide position 17. The threonine at codon 6 is replaced by isoleucine, an amino acid with similar properties. This amino acid position is conserved. In addition, the in silico prediction for this alteration is inconclusive. Based on the available evidence, the clinical significance of this variant remains unclear.